The following is an entry in ClinVar:

ClinVar aggregate classification (germline): Uncertain significance (1 of 4 stars; one submission).

Submission:

GeneDx
Classification: Uncertain significance. Last evaluated: 2023-03-25. Review status: criteria provided, single submitter. Criteria: GeneDx Variant Classification Process June 2021. Collection method: clinical testing. Allele origin: germline. Affected: yes.
Comment: Not observed at significant frequency in large population cohorts (gnomAD); In silico analysis supports that this missense variant has a deleterious effect on protein structure/function; Has not been previously published as pathogenic or benign to our knowledge

NM_017617.5(NOTCH1):c.5273G>T (p.Arg1758Leu)

Gene: NOTCH1 (notch receptor 1; minus strand). Cytogenetic location: 9q34.3.
Variant type: single nucleotide variant.
Coding change: c.5273G>T on transcript NM_017617.5 (MANE Select); coding-DNA position 5273, G replaced by T.
Protein change: p.Arg1758Leu; replaces arginine 1758 with leucine.
Molecular consequence: missense variant.
Genome position (GRCh38, 1-based): chr9:136,502,383, C>A on the plus strand (G>T on the coding strand, the complement: NOTCH1 is on the minus strand). VCF-style: chr9-136502383-C-A. GRCh37 (hg19) VCF-style: chr9-139396835-C-A.
Other names: short protein forms R1758L.
Identifiers: ClinVar variation 2580733 (VCV002580733.1), dbSNP rs373841359, ClinGen allele CA375640770.